The following is an entry in ClinVar:

ClinVar aggregate classification (germline): Conflicting classifications of pathogenicity. Review status: criteria provided, conflicting classifications (1 of 4 stars). 18 submissions from 18 submitters: Uncertain significance (11); Likely benign (7). Last evaluated 2026-02-03.

Conditions:
Familial ovarian cancer. Identifiers: MedGen C5679802, MONDO:0016248.
BRIP1-related disorder. Also called: BRIP1-related condition; BRIP1-related disorders. Identifiers: MedGen CN239206.
Breast and/or ovarian cancer. Identifiers: MedGen CN221562.
Familial cancer of breast. Also called: Hereditary breast cancer; hereditary breast carcinoma; BREAST CANCER, FAMILIAL. Identifiers: Orphanet 227535, MedGen C0346153, MONDO:0016419, OMIM 114480. Disease mechanism: loss of function.
Fanconi anemia complementation group J. Also called: BRIP1-Related Fanconi Anemia. Identifiers: Orphanet 84, MedGen C1836860, MONDO:0012187, OMIM 609054.
Hereditary cancer-predisposing syndrome. Also called: Tumor predisposition; Hereditary neoplastic syndrome; Hereditary Cancer Syndrome; Neoplastic Syndromes, Hereditary. Identifiers: Orphanet 140162, MedGen C0027672, MeSH D009386, MONDO:0015356.
Hereditary breast ovarian cancer syndrome. Also called: Hereditary breast and ovarian cancer; Hereditary breast and/or ovarian cancer syndrome; BRCA1- and BRCA2-Associated Hereditary Breast and Ovarian Cancer; Hereditary breast and ovarian cancer syndrome (HBOC); Hereditary breast and ovarian cancer syndrome; Breast and ovarian cancer. Identifiers: Orphanet 145, MedGen C0677776, MeSH D061325, MONDO:0003582. Disease mechanism: loss of function.

Allele frequency attached by ClinVar (database versions not stated): TOPMed 0.00003; gnomAD 0.00004 and 0.00002; gnomAD exomes 0.00004 and 0.00002; ExAC 0.00005; 1000 Genomes Project 30x 0.00031; 1000 Genomes Project 0.00040.
gnomAD v4.1: 66 of 1,614,008 alleles (0.0041%); highest among the groups gnomAD compares: Middle Eastern, 0.082%; no homozygotes.

Submissions (18):

Labcorp Genetics (formerly Invitae), Labcorp
Classification: Likely benign for Familial cancer of breast; Fanconi anemia complementation group J. Last evaluated: 2026-02-03. Review status: criteria provided, single submitter. Criteria: Invitae Variant Classification Sherloc (09022015). Collection method: clinical testing. Allele origin: germline.

PreventionGenetics, part of Exact Sciences
Classification: Likely benign for BRIP1-related condition. Last evaluated: 2025-12-31. Review status: criteria provided, single submitter. Criteria: ACMG Guidelines, 2015. Collection method: clinical testing. Allele origin: germline.
Comment: This variant is classified as likely benign based on ACMG/AMP sequence variant interpretation guidelines (Richards et al. 2015 PMID: 25741868, with internal and published modifications).

Center for Genomic Medicine, Rigshospitalet, Copenhagen University Hospital
Classification: Uncertain significance. Last evaluated: 2025-12-29. Review status: criteria provided, single submitter. Criteria: ACMG Guidelines, 2015. Collection method: clinical testing. Allele origin: germline.

Institute for Biomarker Research, Medical Diagnostic Laboratories, L.L.C.
Classification: Uncertain significance for Hereditary cancer-predisposing syndrome. Last evaluated: 2025-08-04. Review status: criteria provided, single submitter. Criteria: ACMG Guidelines, 2015. Collection method: clinical testing. Allele origin: germline.
Comment: The missense variant NM_032043.3(BRIP1):c.778A>G (p.Thr260Ala) has not been reported previously as a pathogenic variant , to our knowledge. There is a small physicochemical difference between threonine and alanine, which is not likely to impact secondary protein structure as these residues share similar properties. The gene BRIP1 has a low rate of benign missense variation as indicated by a high missense variants Z-Score of 2.45. p.Thr260Ala have been shown to be pathogenic, while only 1 have been shown to be benign. There are no benign variants within 3 amino acid positions of the variant p.Thr260Ala. For these reasons, this variant has been classified as Uncertain Significance.

CeGaT Center for Human Genetics Tuebingen
Classification: Uncertain significance. Last evaluated: 2024-12-01. Review status: criteria provided, single submitter. Criteria: CeGaT Center For Human Genetics Tuebingen Variant Classification Criteria Version 2. Collection method: clinical testing. Allele origin: germline. Affected: yes. Observed: 1 variant allele.
Comment: BRIP1: PM2

Quest Diagnostics Nichols Institute San Juan Capistrano
Classification: Uncertain significance. Last evaluated: 2024-09-21. Review status: criteria provided, single submitter. Criteria: Quest Diagnostics criteria. Collection method: clinical testing. Allele origin: unknown.
Comment: The BRIP1 c.778A>G (p.Thr260Ala) variant has been reported in the published literature in individuals with breast cancer (PMIDs: 36672847 (2022), 33471991 (2021), 32959997 (2020), 26976419 (2016), 26921362 (2016), see also LOVD) and colorectal cancer (PMID: 28135145 (2017)). It has also been observed in reportedly healthy individuals (PMIDs: 26315354 (2015), 26921362 (2016), 33471991 (2021), see also LOVD). The frequency of this variant in the general population, 0.000039 (5/128872 chromosomes (Genome Aggregation Database)), is uninformative in the assessment of its pathogenicity. Analysis of this variant using bioinformatics tools for the prediction of the effect of amino acid changes on protein structure and function yielded predictions that this variant is benign. Based on the available information, we are unable to determine the clinical significance of this variant.

Color Diagnostics, LLC DBA Color Health
Classification: Likely benign for Hereditary cancer-predisposing syndrome. Last evaluated: 2024-09-19. Review status: criteria provided, single submitter. Criteria: ACMG Guidelines, 2015. Collection method: clinical testing. Allele origin: germline.

Molecular Pathology, Peter Maccallum Cancer Centre
Classification: Uncertain significance for Familial ovarian cancer. Last evaluated: 2024-09-02. Review status: criteria provided, single submitter. Criteria: ACMG Guidelines, 2015. Collection method: clinical testing. Allele origin: germline. Inheritance: Autosomal dominant inheritance.

Revvity Omics, Revvity
Classification: Uncertain significance for Fanconi anemia complementation group J. Last evaluated: 2024-05-23. Review status: criteria provided, single submitter. Criteria: ACMG Guidelines, 2015. Collection method: clinical testing. Allele origin: germline.

Women's Health and Genetics/Laboratory Corporation of America, LabCorp
Classification: Likely benign. Last evaluated: 2024-04-25. Review status: criteria provided, single submitter. Criteria: LabCorp Variant Classification Summary - May 2015. Collection method: clinical testing. Allele origin: germline.
Comment: Variant summary: BRIP1 c.778A>G (p.Thr260Ala) results in a non-conservative amino acid change located in the RAD3-like helicase, DEAD (IPR010614) of the encoded protein sequence. Three of five in-silico tools predict a benign effect of the variant on protein function. The variant allele was found at a frequency of 4.1e-05 in 1614008 control chromosomes, predominantly at a frequency of 0.00016 within the African or African-American subpopulation in the gnomAD database. The observed variant frequency within African or African-American control individuals in the gnomAD database is approximately 2.56 fold of the estimated maximal expected allele frequency for a pathogenic variant in BRIP1 causing Hereditary Breast And Ovarian Cancer Syndrome phenotype (6.3e-05), strongly suggesting that the variant is a benign polymorphism found primarily in populations of African or African-American origin. c.778A>G has been reported in the literature in individuals affected with breast cancer or colorectal cancer without strong evidence of causality (e.g. Tung_2016, Yurgelun_2017, Uyisenga_2020, Nassar_2022). These reports do not provide unequivocal conclusions about association of the variant with Hereditary Breast And Ovarian Cancer Syndrome. To our knowledge, no experimental evidence demonstrating an impact on protein function has been reported. ClinVar contains an entry for this variant (Variation ID: 136154). Based on the evidence outlined above, the variant was classified as likely benign.

Blueprint Genetics
Classification: Uncertain significance. Last evaluated: 2024-04-17. Review status: criteria provided, single submitter. Criteria: ACMG Guidelines, 2015. Collection method: clinical testing. Allele origin: germline.

Department of Pathology and Laboratory Medicine, Sinai Health System
Classification: Uncertain significance for familial ovarian cancer. Last evaluated: 2022-08-24. Review status: criteria provided, single submitter. Criteria: ACMG Guidelines, 2015. Collection method: clinical testing. Allele origin: germline. Affected: no.

National Health Laboratory Service, Universitas Academic Hospital and University of the Free State
Classification: Uncertain significance for Hereditary breast ovarian cancer syndrome. Last evaluated: 2022-04-19. Review status: criteria provided, single submitter. Criteria: ACMG Guidelines, 2015. Collection method: clinical testing. Allele origin: germline. Affected: yes. Observed: 2 variant alleles.

Sema4
Classification: Uncertain significance for Hereditary cancer-predisposing syndrome. Last evaluated: 2021-10-18. Review status: criteria provided, single submitter. Criteria: Sema4 Curation Guidelines. Collection method: curation. Allele origin: germline.
Comment: The BRIP1 c.778A>G (p.T260A) variant has been reported in heterozygosity in several individuals with breast cancer and at least one with colorectal cancer (PMID: 32959997, 26976419, 28135145, 33471991). However, it is also seen in healthy controls (PMID: 26315354, 33471991). This variant was observed in 2/24964 chromosomes in the African/African American population, with no homozygotes, according to the Genome Aggregation Database (PMID: 32461654). This variant has been reported in ClinVar (Variation ID: 136154). Functional studies have not been performed, and in silico predictions of the variant's effect on protein function are inconclusive. The evidence is insufficient to meet ACMG/AMP criteria for classifying the variant as benign or pathogenic. Thus, the clinical significance of this variant is currently uncertain.

CHEO Genetics Diagnostic Laboratory, Children's Hospital of Eastern Ontario
Classification: Uncertain significance for Breast and/or ovarian cancer. Last evaluated: 2021-10-05. Review status: criteria provided, single submitter. Criteria: ACMG Guidelines, 2015. Collection method: clinical testing. Allele origin: germline.

GeneDx
Classification: Likely benign. Last evaluated: 2020-12-01. Review status: criteria provided, single submitter. Criteria: GeneDx Variant Classification Process June 2021. Collection method: clinical testing. Allele origin: germline. Affected: yes.
Comment: In silico analysis supports that this missense variant does not alter protein structure/function; This variant is associated with the following publications: (PMID: 26315354, 28135145, 26976419, 26921362, 28076423, 28968953, 29641532, 32959997)

Ambry Genetics
Classification: Likely benign for Hereditary cancer-predisposing syndrome. Last evaluated: 2019-03-30. Review status: criteria provided, single submitter. Criteria: Ambry Variant Classification Scheme 2023. Collection method: clinical testing. Allele origin: germline.

Illumina Laboratory Services, Illumina
Classification: Likely benign for Fanconi anemia complementation group J. Last evaluated: 2017-04-27. Review status: criteria provided, single submitter. Criteria: ICSL Variant Classification Criteria 13 December 2019. Collection method: clinical testing. Allele origin: germline.
Comment: This variant was observed as part of a predisposition screen in an ostensibly healthy population. A literature search was performed for the gene, cDNA change, and amino acid change (where applicable). Publications were found based on this search. The evidence from the literature, in combination with allele frequency data from public databases where available, was sufficient to determine this variant is unlikely to cause disease. Therefore, this variant is classified as likely benign.

Literature cited by the submitters: PubMed 26976419 (cited by 5 submitters); PubMed 32959997 (cited by 5 submitters); PubMed 28135145 (cited by 5 submitters); PubMed 26921362 (cited by 3 submitters); PubMed 26315354 (cited by 6 submitters); PubMed 33471991 (cited by Quest Diagnostics Nichols Institute San Juan Capistrano and Sema4); PubMed 28076423 (cited by Quest Diagnostics Nichols Institute San Juan Capistrano); PubMed 36672847 (cited by Quest Diagnostics Nichols Institute San Juan Capistrano and Women's Health and Genetics/Laboratory Corporation of America, LabCorp); PubMed 25186627 (cited by Department of Pathology and Laboratory Medicine, Sinai Health System); PubMed 32832836 (cited by Department of Pathology and Laboratory Medicine, Sinai Health System).

NM_032043.3(BRIP1):c.778A>G (p.Thr260Ala)

Gene: BRIP1 (BRCA1 interacting DNA helicase 1; minus strand). Cytogenetic location: 17q23.2.
Variant type: single nucleotide variant.
Coding change: c.778A>G on transcript NM_032043.3 (MANE Select); coding-DNA position 778, A replaced by G.
Protein change: p.Thr260Ala; replaces threonine 260 with alanine.
Molecular consequence: missense variant.
Genome position (GRCh38, 1-based): chr17:61,808,607, T>C on the plus strand (A>G on the coding strand, the complement: BRIP1 is on the minus strand). VCF-style: chr17-61808607-T-C. GRCh37 (hg19) VCF-style: chr17-59885968-T-C.
Other names: p.T260A:ACT>GCT; NP_114432.2:p.Thr260Ala; short protein forms T260A.
Identifiers: ClinVar variation 136154 (VCV000136154.57), dbSNP rs138743097, ClinGen allele CA298928.
Genomic context (GRCh38, chr17:61,808,607, plus strand): 5'-CCCTGCTGGAAAGAATAGTCATTGGAACCCCTGAATATGCCGTCCTCCGGAGCTCTCTAG[T>C]AATCTGAGCAATCTGCTTGTGTGTGCGTGTCCCAAAATATATTTTGGGTATCTTGGATTT-3'
Protein context (NP_114432.2, residues 250-270): TRTHKQIAQI[Thr260Ala]RELRRTAYSG